The following is an entry in ClinVar:

ClinVar aggregate classification (germline): Uncertain significance (1 of 4 stars; one submission).

Allele frequency attached by ClinVar (database versions not stated): gnomAD 0.00001; TOPMed 0.00002.
gnomAD v4.1: 27 of 1,601,576 alleles (0.0017%); highest among the groups gnomAD compares: Non-Finnish European, 0.002%; no homozygotes.

Submission:

Labcorp Genetics (formerly Invitae), Labcorp
Classification: Uncertain significance. Last evaluated: 2026-01-17. Review status: criteria provided, single submitter. Criteria: Invitae Variant Classification Sherloc (09022015). Collection method: clinical testing. Allele origin: germline.
Comment: This sequence change replaces glutamic acid, which is acidic and polar, with aspartic acid, which is acidic and polar, at codon 299 of the TSFM protein (p.Glu299Asp). This variant is present in population databases (no rsID available, gnomAD 0.007%). This variant has not been reported in the literature in individuals affected with TSFM-related conditions. ClinVar contains an entry for this variant (Variation ID: 2053526). Invitae Evidence Modeling of protein sequence and biophysical properties (such as structural, functional, and spatial information, amino acid conservation, physicochemical variation, residue mobility, and thermodynamic stability) indicates that this missense variant is not expected to disrupt TSFM protein function with a negative predictive value of 80%. In summary, the available evidence is currently insufficient to determine the role of this variant in disease. Therefore, it has been classified as a Variant of Uncertain Significance.

NM_005726.6(TSFM):c.834G>C (p.Glu278Asp)

Gene: TSFM (Ts translation elongation factor, mitochondrial; plus strand). Cytogenetic location: 12q14.1.
Variant type: single nucleotide variant.
Coding change: c.834G>C on transcript NM_005726.6 (MANE Select); coding-DNA position 834, G replaced by C.
Protein change: p.Glu278Asp; replaces glutamic acid 278 with aspartic acid.
Molecular consequence: missense variant. On other transcripts: 3 prime UTR variant (1), intron variant (1).
Genome position (GRCh38, 1-based): chr12:57,796,439, G>C. VCF-style: chr12-57796439-G-C. GRCh37 (hg19) VCF-style: chr12-58190222-G-C.
Other names: c.*242G>C (NM_001172695.2); c.897G>C, p.Glu299Asp (NM_001172696.2); c.571+3366G>C (NM_001172697.2); short protein forms E278D, E299D.
Identifiers: ClinVar variation 2053526 (VCV002053526.3), dbSNP rs889918102, ClinGen allele CA237837702.
Genomic context (GRCh38, chr12:57,796,439, plus strand): 5'-GCATGTGGTGGGCATGGCCCCCCTCTCTGTTGGCTCCCTGGACGATGAGCCTGGGGGAGA[G>C]GCAGAGACTAAGATGCTGTCCCAGCCGTATTTGCTGGATCCCTCCATTACCTTGGGGCAG-3'
Protein context (NP_005717.3, residues 268-288): VGSLDDEPGG[Glu278Asp]AETKMLSQPY